The following is an entry in ClinVar:

ClinVar aggregate classification (germline): Likely pathogenic (1 of 4 stars; one submission).

Conditions:
Autism, susceptibility to, 17. Also called: Autism susceptibility 17. Identifiers: MedGen C3150693, MONDO:0013265, OMIM 613436.

Submission:

Women's Health and Genetics/Laboratory Corporation of America, LabCorp
Classification: Likely pathogenic for Autism, susceptibility to, 17. Last evaluated: 2022-11-29. Review status: criteria provided, single submitter. Criteria: LabCorp Variant Classification Summary - May 2015. Collection method: clinical testing. Allele origin: germline.
Comment: Variant summary: SHANK2 c.1595delA (p.Glu532GlyfsX99) results in a premature termination codon, predicted to cause a truncation of the encoded protein or absence of the protein due to nonsense mediated decay, which are commonly known mechanisms for disease. Truncations downstream of this position have been classified as pathogenic by our laboratory. The variant was absent in 155232 control chromosomes. To our knowledge, no occurrence of c.1595delA in individuals affected with Autism and no experimental evidence demonstrating its impact on protein function have been reported. No clinical diagnostic laboratories have submitted clinical-significance assessments for this variant to ClinVar after 2014. Based on the evidence outlined above, the variant was classified as likely pathogenic.

NM_012309.5(SHANK2):c.1742del (p.Glu581fs)

Gene: SHANK2 (SH3 and multiple ankyrin repeat domains 2; minus strand). Cytogenetic location: 11q13.4.
Variant type: Deletion.
Coding change: c.1742del on transcript NM_012309.5 (MANE Select); coding-DNA position 1742, one base deleted (A; older notation c.1742delA).
Protein change: p.Glu581fs; shifts the reading frame from glutamic acid 581.
Molecular consequence: frameshift variant.
Genome position (GRCh38, 1-based): chr11:70,798,478, T deleted on the plus strand (A on the coding strand, the reverse complement: SHANK2 is on the minus strand). VCF-style (leftmost placement, unchanged base first): chr11-70798477-CT-C. GRCh37 (hg19) VCF-style: chr11-70644582-CT-C.
Other names: c.605del, p.Glu202fs (NM_001379226.1); short protein forms E202fs, E581fs.
Identifiers: ClinVar variation 1804793 (VCV001804793.1), dbSNP rs2499554758, ClinGen allele CA2580084805.